The following is an entry in ClinVar:

ClinVar aggregate classification (germline): Conflicting classifications of pathogenicity. Review status: criteria provided, conflicting classifications (1 of 4 stars). 7 submissions from 7 submitters: Uncertain significance (2); Likely benign (5). Last evaluated 2026-06-22.

Conditions:
Epidermolysis bullosa simplex 5B, with muscular dystrophy (EBS5B). Also called: Epidermolysis bullosa simplex with muscular dystrophy; EPIDERMOLYSIS BULLOSA SIMPLEX AND LIMB-GIRDLE MUSCULAR DYSTROPHY. Identifiers: Orphanet 257, MedGen C2931072, MONDO:0009181, OMIM 226670.
Autosomal recessive limb-girdle muscular dystrophy type 2Q (LGMDR17). Also called: MUSCULAR DYSTROPHY, LIMB-GIRDLE, AUTOSOMAL RECESSIVE 17. Identifiers: Orphanet 254361, MedGen C3150989, MONDO:0013390, OMIM 613723.
Epidermolysis bullosa simplex with nail dystrophy (EBS5D). Identifiers: MedGen C4225309, MONDO:0014661, OMIM 616487.
Epidermolysis bullosa simplex, Ogna type (EBS5A). Also called: Pidermolysis bullosa simplex 5A, Ogna type; EPIDERMOLYSIS BULLOSA SIMPLEX 5A, OGNA TYPE. Identifiers: Orphanet 79401, MedGen C0432317, MONDO:0007555, OMIM 131950.
Epidermolysis bullosa simplex 5C, with pyloric atresia (EBS5C). Also called: PLEC-Related Epidermolysis Bullosa with Pyloric Atresia; Epidermolysis bullosa simplex with pyloric atresia; PLEC1-Related Epidermolysis Bullosa with Pyloric Atresia. Identifiers: Orphanet 158684, MedGen C2677349, MONDO:0012807, OMIM 612138.
PLEC-related disorder. Also called: PLEC-related condition; PLEC-related disorders.

Allele frequency attached by ClinVar (database versions not stated): gnomAD 0.00116 and 0.00119; 1000 Genomes Project 0.00040; gnomAD exomes 0.00093; 1000 Genomes Project 30x 0.00047; TOPMed 0.00117; ESP Exome Variant Server 0.00086; ExAC 0.00120.
gnomAD v4.1: 3,216 of 1,583,908 alleles (0.2%); highest among the groups gnomAD compares: Non-Finnish European, 0.25%; 6 homozygotes.

Submissions (7):

PreventionGenetics, part of Exact Sciences
Classification: Likely benign for PLEC-related condition. Last evaluated: 2026-06-22. Review status: criteria provided, single submitter. Criteria: ACMG Guidelines, 2015. Collection method: clinical testing. Allele origin: germline.
Comment: This variant is classified as likely benign based on ACMG/AMP sequence variant interpretation guidelines (Richards et al. 2015 PMID: 25741868, with internal and published modifications).

Labcorp Genetics (formerly Invitae), Labcorp
Classification: Likely benign for Autosomal recessive limb-girdle muscular dystrophy type 2Q; Epidermolysis bullosa simplex, Ogna type; Epidermolysis bullosa simplex with nail dystrophy; Epidermolysis bullosa simplex 5C, with pyloric atresia; Epidermolysis bullosa simplex 5B, with muscular dystrophy. Last evaluated: 2026-01-17. Review status: criteria provided, single submitter. Criteria: Invitae Variant Classification Sherloc (09022015). Collection method: clinical testing. Allele origin: germline.

CeGaT Center for Human Genetics Tuebingen
Classification: Likely benign. Last evaluated: 2025-07-01. Review status: criteria provided, single submitter. Criteria: CeGaT Center For Human Genetics Tuebingen Variant Classification Criteria Version 2. Collection method: clinical testing. Allele origin: germline. Affected: yes. Observed: 8 variant alleles.
Comment: PLEC: BP4, BS2

Blueprint Genetics
Classification: Likely benign. Last evaluated: 2024-11-19. Review status: criteria provided, single submitter. Criteria: ACMG Guidelines, 2015. Collection method: clinical testing. Allele origin: germline.

GeneDx
Classification: Likely benign. Last evaluated: 2020-11-30. Review status: criteria provided, single submitter. Criteria: GeneDx Variant Classification Process June 2021. Collection method: clinical testing. Allele origin: germline. Affected: yes.
Comment: This variant is associated with the following publications: (PMID: 25533962)

Athena Diagnostics
Classification: Uncertain significance. Last evaluated: 2018-04-02. Review status: criteria provided, single submitter. Criteria: Athena Diagnostics Criteria. Collection method: clinical testing. Allele origin: germline.

Eurofins Ntd Llc (ga)
Classification: Uncertain significance. Last evaluated: 2017-07-03. Review status: criteria provided, single submitter. Criteria: EGL Classification Definitions 2015. Collection method: clinical testing. Allele origin: germline. Observed: 9 variant alleles, 9 heterozygotes.

NM_201384.3(PLEC):c.7753G>C (p.Glu2585Gln)

Gene: PLEC (plectin; minus strand). Cytogenetic location: 8q24.3.
Variant type: single nucleotide variant.
Coding change: c.7753G>C on transcript NM_201384.3 (MANE Select); coding-DNA position 7753, G replaced by C.
Protein change: p.Glu2585Gln; replaces glutamic acid 2585 with glutamine.
Molecular consequence: missense variant.
Genome position (GRCh38, 1-based): chr8:143,922,068, C>G on the plus strand (G>C on the coding strand, the complement: PLEC is on the minus strand). VCF-style: chr8-143922068-C-G. GRCh37 (hg19) VCF-style: chr8-144996236-C-G.
Other names: c.7834G>C, p.Glu2612Gln (NM_000445.5); c.7711G>C, p.Glu2571Gln (NM_201378.4); c.7687G>C, p.Glu2563Gln (NM_201379.3); c.8164G>C, p.Glu2722Gln (NM_201380.4); c.7657G>C, p.Glu2553Gln (NM_201381.3); c.7753G>C, p.Glu2585Gln (NM_201382.4); c.7765G>C, p.Glu2589Gln (NM_201383.3); short protein forms E2553Q, E2563Q, E2571Q, E2585Q, E2589Q, E2612Q, E2722Q.
Identifiers: ClinVar variation 167507 (VCV000167507.55), dbSNP rs200488179, ClinGen allele CA234643.
Genomic context (GRCh38, chr8:143,922,068, plus strand): 5'-GCTGCTCCTCCAGGAGCTGCAGCTGCTCACGCAGCCTCTGGTTCTCCTCAGCCAGCAGCT[C>G]CTCCTGCTGCCGCCGCTGCTGCTCCAGCTGCTGCAGCTCCTCCTGCTTGCGCCGCACGCC-3'
Protein context (NP_958786.1, residues 2575-2595): QLEQQRRQQE[Glu2585Gln]LLAEENQRLR